The following is an entry in ClinVar:

NM_004551.3(NDUFS3):c.381+4A>G

Gene: NDUFS3 (NADH:ubiquinone oxidoreductase core subunit S3; plus strand). Cytogenetic location: 11p11.2.
Variant type: single nucleotide variant.
Coding change: c.381+4A>G on transcript NM_004551.3 (MANE Select); 4 bases into the intron after coding-DNA position 381, A replaced by G.
Molecular consequence: intron variant.
Genome position (GRCh38, 1-based): chr11:47,580,988, A>G. VCF-style: chr11-47580988-A-G. GRCh37 (hg19) VCF-style: chr11-47602540-A-G.
Identifiers: ClinVar variation 2081283 (VCV002081283.4), dbSNP rs2509731339, ClinGen allele CA380359425.

ClinVar aggregate classification (germline): Uncertain significance (1 of 4 stars; one submission).

Allele frequency attached by ClinVar (database versions not stated): gnomAD exomes below 0.00001.

Submission:

Labcorp Genetics (formerly Invitae), Labcorp
Classification: Uncertain significance. Last evaluated: 2022-08-23. Review status: criteria provided, single submitter. Criteria: Invitae Variant Classification Sherloc (09022015). Collection method: clinical testing. Allele origin: germline.
Comment: This sequence change falls in intron 4 of the NDUFS3 gene. It does not directly change the encoded amino acid sequence of the NDUFS3 protein. It affects a nucleotide within the consensus splice site. This variant is not present in population databases (gnomAD no frequency). This variant has not been reported in the literature in individuals affected with NDUFS3-related conditions. Variants that disrupt the consensus splice site are a relatively common cause of aberrant splicing (PMID: 17576681, 9536098). Algorithms developed to predict the effect of sequence changes on RNA splicing suggest that this variant may create or strengthen a splice site. In summary, the available evidence is currently insufficient to determine the role of this variant in disease. Therefore, it has been classified as a Variant of Uncertain Significance.

Literature cited by the submitters: PubMed 17576681; PubMed 9536098.